The following is an entry in ClinVar:

NM_015915.5(ATL1):c.1639T>G (p.Ser547Ala)

Gene: ATL1 (atlastin GTPase 1; plus strand). Cytogenetic location: 14q22.1.
Variant type: single nucleotide variant.
Coding change: c.1639T>G on transcript NM_015915.5 (MANE Select); coding-DNA position 1639, T replaced by G.
Protein change: p.Ser547Ala; replaces serine 547 with alanine.
Molecular consequence: missense variant.
Genome position (GRCh38, 1-based): chr14:50,632,301, T>G. VCF-style: chr14-50632301-T-G. GRCh37 (hg19) VCF-style: chr14-51099019-T-G.
Other names: c.1624T>G, p.Ser542Ala (NM_001127713.1, NM_181598.4); short protein forms S542A, S547A.
Identifiers: ClinVar variation 1904314 (VCV001904314.5), dbSNP rs2504590740, ClinGen allele CA389678925.

ClinVar aggregate classification (germline): Uncertain significance (1 of 4 stars; one submission).

Conditions:
Hereditary spastic paraplegia 3A (SPG3A). Also called: SPASTIC PARAPLEGIA 3, AUTOSOMAL DOMINANT; FAMILIAL SPASTIC PARAPLEGIA, AUTOSOMAL DOMINANT, 1; SPG3; STRUMPELL DISEASE; Spastic Paraplegia 3A; Spastic paraplegia 3A, autosomal dominant. Identifiers: Orphanet 100984, MedGen C2931355, MONDO:0008437, OMIM 182600.

Submission:

Labcorp Genetics (formerly Invitae), Labcorp
Classification: Uncertain significance for Hereditary spastic paraplegia 3A. Last evaluated: 2021-12-29. Review status: criteria provided, single submitter. Criteria: Invitae Variant Classification Sherloc (09022015). Collection method: clinical testing. Allele origin: germline.
Comment: This sequence change replaces serine, which is neutral and polar, with alanine, which is neutral and non-polar, at codon 547 of the ATL1 protein (p.Ser547Ala). This variant is not present in population databases (gnomAD no frequency). This variant has not been reported in the literature in individuals affected with ATL1-related conditions. Advanced modeling of protein sequence and biophysical properties (such as structural, functional, and spatial information, amino acid conservation, physicochemical variation, residue mobility, and thermodynamic stability) performed at Invitae indicates that this missense variant is not expected to disrupt ATL1 protein function. In summary, the available evidence is currently insufficient to determine the role of this variant in disease. Therefore, it has been classified as a Variant of Uncertain Significance.